The following is an entry in ClinVar:

ClinVar aggregate classification (germline): Uncertain significance (1 of 4 stars; one submission).

gnomAD v4.1: 2 of 1,610,076 alleles (0.00012%); highest among the groups gnomAD compares: Non-Finnish European, 0.00017%; no homozygotes.

Submission:

GeneDx
Classification: Uncertain significance. Last evaluated: 2024-09-09. Review status: criteria provided, single submitter. Criteria: GeneDx Variant Classification Process June 2021. Collection method: clinical testing. Allele origin: germline. Affected: yes.
Comment: Not observed at significant frequency in large population cohorts (gnomAD); In silico analysis indicates that this missense variant does not alter protein structure/function; Has not been previously published as pathogenic or benign to our knowledge

NM_014225.6(PPP2R1A):c.689A>T (p.Asn230Ile)

Gene: PPP2R1A (protein phosphatase 2 scaffold subunit Aalpha; plus strand). Cytogenetic location: 19q13.41.
Variant type: single nucleotide variant.
Coding change: c.689A>T on transcript NM_014225.6 (MANE Select); coding-DNA position 689, A replaced by T.
Protein change: p.Asn230Ile; replaces asparagine 230 with isoleucine.
Molecular consequence: missense variant. On other transcripts: non-coding transcript variant (1).
Genome position (GRCh38, 1-based): chr19:52,212,992, A>T. VCF-style: chr19-52212992-A-T. GRCh37 (hg19) VCF-style: chr19-52716245-A-T.
Other names: c.152A>T, p.Asn51Ile (NM_001363656.2); short protein forms N230I, N51I.
Identifiers: ClinVar variation 3767417 (VCV003767417.1).
Genomic context (GRCh38, chr19:52,212,992, plus strand): 5'-CACTGTTCCTCTCCTCTCCCTAGGACTCGGTGCGGCTGCTGGCGGTGGAGGCGTGCGTGA[A>T]CATCGCCCAGCTTCTGCCCCAGGAGGATCTGGAGGCCCTGGTGATGCCCACTCTGCGCCA-3'
Protein context (NP_055040.2, residues 220-240): VRLLAVEACV[Asn230Ile]IAQLLPQEDL